The following is an entry in ClinVar:

ClinVar aggregate classification (germline): Likely benign. Review status: criteria provided, single submitter (1 of 4 stars). 2 submissions from 2 submitters: Likely benign (1). 1 of the submissions does not count toward it. Last evaluated 2026-09-21.

Conditions:
TTN-related disorder. Also called: TTN-related condition; TTN-related disease; TTN-related disorders.

Allele frequency attached by ClinVar (database versions not stated): TOPMed 0.00001; gnomAD 0.00002; gnomAD exomes 0.00001; ExAC 0.00001.
gnomAD v4.1: 8 of 1,613,102 alleles (0.0005%); highest among the groups gnomAD compares: Admixed American, 0.0017%; no homozygotes.

Submissions (2):

Molecular Diagnostic Laboratory for Inherited Cardiovascular Disease, Montreal Heart Institute
Classification: Likely benign. Last evaluated: 2026-09-21. Review status: criteria provided, single submitter. Criteria: ACMG Guidelines, 2015. Collection method: clinical testing. Allele origin: germline. Affected: no.
Comment: BP1

PreventionGenetics, part of Exact Sciences
Classification: Likely benign for TTN-related condition. Last evaluated: 2022-04-20. Review status: no assertion criteria provided. Collection method: clinical testing. Allele origin: germline. Not counted in ClinVar's aggregate classification.
Comment: This variant is classified as likely benign based on ACMG/AMP sequence variant interpretation guidelines (Richards et al. 2015 PMID: 25741868, with internal and published modifications).

NM_001267550.2(TTN):c.11311+1671A>G

Gene: TTN (titin; minus strand). Cytogenetic location: 2q31.2.
Variant type: single nucleotide variant.
Coding change: c.11311+1671A>G on transcript NM_001267550.2 (MANE Select); 1671 bases into the intron after coding-DNA position 11311, A replaced by G.
Molecular consequence: intron variant. On other transcripts: synonymous variant (1).
Genome position (GRCh38, 1-based): chr2:178,751,453, T>C on the plus strand (A>G on the coding strand, the complement: TTN is on the minus strand). VCF-style: chr2-178751453-T-C. GRCh37 (hg19) VCF-style: chr2-179616180-T-C.
Other names: c.10947A>G, p.Glu3649= (NM_133379.5); c.10222+1671A>G (NM_003319.4); c.10798+1671A>G (NM_133437.4); c.10597+1671A>G (NM_133432.3); c.10360+1671A>G (NM_133378.4, NM_001256850.1).
Identifiers: ClinVar variation 3049338 (VCV003049338.3), dbSNP rs755489315, ClinGen allele CA2003820.